The following is an entry in ClinVar:

NM_006231.4(POLE):c.3476C>G (p.Pro1159Arg)

Gene: POLE (DNA polymerase epsilon, catalytic subunit; minus strand). Cytogenetic location: 12q24.33.
Variant type: single nucleotide variant.
Coding change: c.3476C>G on transcript NM_006231.4 (MANE Select); coding-DNA position 3476, C replaced by G.
Protein change: p.Pro1159Arg; replaces proline 1159 with arginine.
Molecular consequence: missense variant.
Genome position (GRCh38, 1-based): chr12:132,657,242, G>C on the plus strand (C>G on the coding strand, the complement: POLE is on the minus strand). VCF-style: chr12-132657242-G-C. GRCh37 (hg19) VCF-style: chr12-133233828-G-C.
Other names: short protein forms P1159R.
Identifiers: ClinVar variation 4141129 (VCV004141129.1).

ClinVar aggregate classification (germline): Uncertain significance (1 of 4 stars; one submission).

Conditions:
Hereditary cancer-predisposing syndrome. Also called: Hereditary neoplastic syndrome; Neoplastic Syndromes, Hereditary; Tumor predisposition; Hereditary Cancer Syndrome. Identifiers: Orphanet 140162, MedGen C0027672, MeSH D009386, MONDO:0015356.

Submission:

Ambry Genetics
Classification: Uncertain significance for Hereditary cancer-predisposing syndrome. Last evaluated: 2025-06-22. Review status: criteria provided, single submitter. Criteria: Ambry Variant Classification Scheme 2023. Collection method: clinical testing. Allele origin: germline.
Comment: The p.P1159R variant (also known as c.3476C>G), located in coding exon 29 of the POLE gene, results from a C to G substitution at nucleotide position 3476. The proline at codon 1159 is replaced by arginine, an amino acid with dissimilar properties. This amino acid position is conserved. In addition, this alteration is predicted to be deleterious by in silico analysis. Based on the available evidence, the clinical significance of this variant remains unclear.